The following is an entry in ClinVar:

NM_000256.3(MYBPC3):c.1777del (p.Ser593fs)

Gene: MYBPC3 (myosin binding protein C3; minus strand). Cytogenetic location: 11p11.2.
Variant type: Deletion.
Coding change: c.1777del on transcript NM_000256.3 (MANE Select); coding-DNA position 1777, one base deleted (T; older notation c.1777delT).
Protein change: p.Ser593fs; shifts the reading frame from serine 593.
Molecular consequence: frameshift variant.
Genome position (GRCh38, 1-based): chr11:47,342,004, A deleted on the plus strand (T on the coding strand, the reverse complement: MYBPC3 is on the minus strand). VCF-style (leftmost placement, unchanged base first): chr11-47342003-GA-G. GRCh37 (hg19) VCF-style: chr11-47363554-GA-G.
Other names: c.1777delT (NM_000256.3); short protein forms S593fs.
Identifiers: ClinVar variation 1779902 (VCV001779902.8), dbSNP rs2095889088, ClinGen allele CA1969335282.

ClinVar aggregate classification (germline): Pathogenic. Review status: criteria provided, multiple submitters, no conflicts (2 of 4 stars). 3 submissions from 3 submitters: Pathogenic (3). Last evaluated 2023-12-18.

Conditions:
Cardiovascular phenotype. Identifiers: MedGen CN230736.
Primary familial hypertrophic cardiomyopathy (HCM). Identifiers: Orphanet 99739, MedGen C0949658, MeSH D024741, MONDO:0024573. Inheritance: Various modes of inheritance.
Hypertrophic cardiomyopathy. Also called: HYPERTROPHIC MYOCARDIOPATHY. Identifiers: Orphanet 217569, MedGen C0007194, MeSH D002312, MONDO:0005045, HP:0001639.

Allele frequency attached by ClinVar (database versions not stated): gnomAD exomes below 0.00001.

Submissions (3):

Labcorp Genetics (formerly Invitae), Labcorp
Classification: Pathogenic for Hypertrophic cardiomyopathy. Last evaluated: 2023-12-18. Review status: criteria provided, single submitter. Criteria: Invitae Variant Classification Sherloc (09022015). Collection method: clinical testing. Allele origin: germline.
Comment: This sequence change creates a premature translational stop signal (p.Ser593Profs*9) in the MYBPC3 gene. It is expected to result in an absent or disrupted protein product. Loss-of-function variants in MYBPC3 are known to be pathogenic (PMID: 19574547). This variant is not present in population databases (gnomAD no frequency). This premature translational stop signal has been observed in individual(s) with hypertrophic cardiomyopathy (PMID: 29907873). ClinVar contains an entry for this variant (Variation ID: 1779902). Algorithms developed to predict the effect of sequence changes on RNA splicing suggest that this variant may create or strengthen a splice site. For these reasons, this variant has been classified as Pathogenic.

Women's Health and Genetics/Laboratory Corporation of America, LabCorp
Classification: Pathogenic for Primary familial hypertrophic cardiomyopathy. Last evaluated: 2023-06-19. Review status: criteria provided, single submitter. Criteria: LabCorp Variant Classification Summary - May 2015. Collection method: clinical testing. Allele origin: germline.
Comment: Variant summary: MYBPC3 c.1777delT (p.Ser593ProfsX9) results in a premature termination codon, predicted to cause an absence of the protein due to nonsense mediated decay, which is commonly known mechanism for disease. The variant was absent in 182674 control chromosomes in GnomAD. c.1777delT has been reported in the literature in individuals affected with Hypertrophic Cardiomyopathy (example: Hayashi_2018). These data indicate that the variant is very likely to be associated with disease. To our knowledge, no experimental evidence demonstrating an impact on protein function has been reported. The following publication has been ascertained in the context of this evaluation (PMID: 29907873). Two submitters have cited clinical-significance assessments for this variant to ClinVar after 2014 and both classified the variant as pathogenic. Based on the evidence outlined above, the variant was classified as pathogenic.

Ambry Genetics
Classification: Pathogenic for Cardiovascular phenotype. Last evaluated: 2021-11-05. Review status: criteria provided, single submitter. Criteria: Ambry Variant Classification Scheme 2023. Collection method: clinical testing. Allele origin: germline.
Comment: The c.1777delT pathogenic mutation, located in coding exon 18 of the MYBPC3 gene, results from a deletion of one nucleotide at nucleotide position 1777, causing a translational frameshift with a predicted alternate stop codon (p.S593Pfs*9). This variant has been reported in numerous individuals with hypertrophic cardiomyopathy (HCM), particularly in Japanese HCM cohorts, and co-segregation with disease has been reported in several families (Kimura A et al. Nat Genet, 1997 Aug;16:379-82; Otsuka H et al. Circ J, 2012 Nov;76:453-61; Kitaoka H et al. J Cardiol, 2011 Nov;58:261-5). In addition to the clinical data presented in the literature, this alteration is expected to result in loss of function by premature protein truncation or nonsense-mediated mRNA decay. As such, this alteration is interpreted as a disease-causing mutation.

Literature cited by the submitters: PubMed 19574547 (cited by Labcorp Genetics (formerly Invitae), Labcorp); PubMed 29907873 (cited by 3 submitters); PubMed 16181148 (cited by Ambry Genetics); PubMed 21890325 (cited by Ambry Genetics); PubMed 22112859 (cited by Ambry Genetics); PubMed 27885498 (cited by Ambry Genetics); PubMed 32830170 (cited by Ambry Genetics); PubMed 9241277 (cited by Ambry Genetics).